The following is an entry in ClinVar:

NM_001081.4(CUBN):c.6959A>G (p.Asn2320Ser)

Gene: CUBN (cubilin; minus strand). Cytogenetic location: 10p13.
Variant type: single nucleotide variant.
Coding change: c.6959A>G on transcript NM_001081.4 (MANE Select); coding-DNA position 6959, A replaced by G.
Protein change: p.Asn2320Ser; replaces asparagine 2320 with serine.
Molecular consequence: missense variant.
Genome position (GRCh38, 1-based): chr10:16,918,663, T>C on the plus strand (A>G on the coding strand, the complement: CUBN is on the minus strand). VCF-style: chr10-16918663-T-C. GRCh37 (hg19) VCF-style: chr10-16960662-T-C.
Other names: p.Asn2320Ser; short protein forms N2320S.
Identifiers: ClinVar variation 3379948 (VCV003379948.1).

ClinVar aggregate classification (germline): Uncertain significance (1 of 4 stars; one submission).

gnomAD v4.1: 111 of 1,613,916 alleles (0.0069%); highest among the groups gnomAD compares: African/African-American, 0.11%; no homozygotes.

Submission:

Mayo Clinic Laboratories, Mayo Clinic
Classification: Uncertain significance. Last evaluated: 2024-08-21. Review status: criteria provided, single submitter. Criteria: ACMG Guidelines, 2015. Collection method: clinical testing. Allele origin: germline. Observed: 1 variant allele.
Comment: BP4